The following is an entry in ClinVar:

ClinVar aggregate classification (germline): Conflicting classifications of pathogenicity. Review status: criteria provided, conflicting classifications (1 of 4 stars). 4 submissions from 4 submitters: Uncertain significance (1); Benign (1); Likely benign (2). Last evaluated 2025-10-02.

Conditions:
Emery-Dreifuss muscular dystrophy 5, autosomal dominant (EDMD5). Also called: EMERY-DREIFUSS MUSCULAR DYSTROPHY 5. Identifiers: Orphanet 261, MedGen C2751805, MONDO:0013072, OMIM 612999.

Allele frequency attached by ClinVar (database versions not stated): 1000 Genomes Project 30x 0.00109; gnomAD 0.00006 and 0.00015; TOPMed 0.00014; ExAC 0.00018; 1000 Genomes Project 0.00060.
gnomAD v4.1: 287 of 1,613,996 alleles (0.018%); highest among the groups gnomAD compares: East Asian, 0.61%; 2 homozygotes.

Submissions (4):

Labcorp Genetics (formerly Invitae), Labcorp
Classification: Likely benign for Emery-Dreifuss muscular dystrophy 5, autosomal dominant. Last evaluated: 2025-10-02. Review status: criteria provided, single submitter. Criteria: Invitae Variant Classification Sherloc (09022015). Collection method: clinical testing. Allele origin: germline.

Ambry Genetics
Classification: Uncertain significance. Last evaluated: 2025-08-21. Review status: criteria provided, single submitter. Criteria: Ambry Variant Classification Scheme 2023. Collection method: clinical testing. Allele origin: germline.

Illumina Laboratory Services, Illumina
Classification: Benign for Emery-Dreifuss muscular dystrophy 5, autosomal dominant. Last evaluated: 2018-01-13. Review status: criteria provided, single submitter. Criteria: ICSL Variant Classification Criteria 13 December 2019. Collection method: clinical testing. Allele origin: germline.
Comment: This variant was observed in the ICSL laboratory as part of a predisposition screen in an ostensibly healthy population. It had not been previously curated by ICSL or reported in the Human Gene Mutation Database (HGMD: prior to June 1st, 2018), and was therefore a candidate for classification through an automated scoring system. Utilizing variant allele frequency, disease prevalence and penetrance estimates, and inheritance mode, an automated score was calculated to assess if this variant is too frequent to cause the disease. Based on the score and internal cut-off values, a variant classified as benign is not then subjected to further curation. The score for this variant resulted in a classification of benign for this disease.

Breakthrough Genomics
Classification: Likely benign. Review status: criteria provided, single submitter. Criteria: ACMG Guidelines, 2015. Collection method: not provided. Allele origin: germline. Inheritance: Autosomal dominant inheritance. Affected: yes.

NM_182914.3(SYNE2):c.16374A>T (p.Gln5458His)

Gene: SYNE2 (spectrin repeat containing nuclear envelope protein 2; plus strand). Cytogenetic location: 14q23.2.
Variant type: single nucleotide variant.
Coding change: c.16374A>T on transcript NM_182914.3 (MANE Select); coding-DNA position 16374, A replaced by T.
Protein change: p.Gln5458His; replaces glutamine 5458 with histidine.
Molecular consequence: missense variant.
Genome position (GRCh38, 1-based): chr14:64,163,476, A>T. VCF-style: chr14-64163476-A-T. GRCh37 (hg19) VCF-style: chr14-64630194-A-T.
Other names: c.16374A>T, p.Gln5458His (NM_015180.6); short protein forms Q5458H.
Identifiers: ClinVar variation 313620 (VCV000313620.17), dbSNP rs191057574, ClinGen allele CA7223359.
Genomic context (GRCh38, chr14:64,163,476, plus strand): 5'-TGTGCAGAAAACAAAAGAAGCCTTTCTCCAAAATTCCAGTGTCCTGGATCGACTCCCACA[A>T]CCCGCAGAGTCCAGCACCCACATGCTCCTCCCGGGCCCCCTGCACTCTCTCCAGAGGGCT-3'
Protein context (NP_878918.2, residues 5448-5468): QNSSVLDRLP[Gln5458His]PAESSTHMLL